The following is an entry in ClinVar:

ClinVar aggregate classification (germline): Uncertain significance (1 of 4 stars; one submission).

gnomAD v4.1: 16 of 1,521,418 alleles (0.0011%); highest among the groups gnomAD compares: African/African-American, 0.025%; 4 homozygotes.

Submission:

Women's Health and Genetics/Laboratory Corporation of America, LabCorp
Classification: Uncertain significance. Last evaluated: 2025-10-27. Review status: criteria provided, single submitter. Criteria: LabCorp Variant Classification Summary - May 2015. Collection method: clinical testing. Allele origin: germline.
Comment: Variant summary: CFHR3 c.523T>G (p.Cys175Gly) results in a non-conservative amino acid change in the encoded protein sequence. Algorithms developed to predict the effect of missense changes on protein structure and function all suggest that this variant is likely to be disruptive. The variant allele was found at a frequency of 4.3e-06 in 231146 control chromosomes. The available data on variant occurrences in the general population are insufficient to allow any conclusion about variant significance. To our knowledge, no occurrence of c.523T>G in individuals affected with CFHR3-related conditions and no experimental evidence demonstrating its impact on protein function have been reported. No submitters have cited clinical-significance assessments for this variant to ClinVar. Based on the evidence outlined above, the variant was classified as uncertain significance.

NM_021023.6(CFHR3):c.523T>G (p.Cys175Gly)

Gene: CFHR3 (complement factor H related 3; plus strand). Cytogenetic location: 1q31.3.
Variant type: single nucleotide variant.
Coding change: c.523T>G on transcript NM_021023.6 (MANE Select); coding-DNA position 523, T replaced by G.
Protein change: p.Cys175Gly; replaces cysteine 175 with glycine.
Molecular consequence: missense variant. On other transcripts: intron variant (1).
Genome position (GRCh38, 1-based): chr1:196,788,308, T>G. VCF-style: chr1-196788308-T-G. GRCh37 (hg19) VCF-style: chr1-196757438-T-G.
Other names: c.431-1737T>G (NM_001166624.2); short protein forms C175G.
Identifiers: ClinVar variation 4687719 (VCV004687719.1).
Genomic context (GRCh38, chr1:196,788,308, plus strand): 5'-AATGGATTCATTTCCGAATCTTCCTCTATTTATATTTTAAATAAAGAAATACAATATAAA[T>G]GTAAACCAGGATATGCAACAGCAGATGGAAATTCTTCAGGATCAATTACATGTTTGCAAA-3'
Protein context (NP_066303.2, residues 165-185): YILNKEIQYK[Cys175Gly]KPGYATADGN